The following is an entry in ClinVar:

ClinVar aggregate classification (germline): Likely pathogenic (1 of 4 stars; one submission).

Conditions:
Progressive scapulohumeroperoneal distal myopathy. Also called: Myopathy, scapulohumeroperoneal. Identifiers: Orphanet 447977, MedGen C4225181, MONDO:0014800, OMIM 616852.

Submission:

3billion
Classification: Likely pathogenic for Progressive scapulohumeroperoneal distal myopathy. Last evaluated: 2022-09-01. Review status: criteria provided, single submitter. Criteria: ACMG Guidelines, 2015. Collection method: clinical testing. Allele origin: germline. Affected: yes. Observed: 1 heterozygote.
Comment: The variant is not observed in the gnomAD v2.1.1 dataset. Missense changes are a common disease-causing mechanism. In silico tool predictions suggest damaging effect of the variant on gene or gene product (REVEL: 0.93; 3Cnet: 0.96). Different nucleotide change resulting in same amino acid change (ClinVar ID: VCV000532769 / PMID: 19562689) and different missense changes at the same codon (p.Thr150Ala, p.Thr150Asn, p.Thr150Ile; PMID: 12921789, 24787270, 24852243) have been previously reported to be associated with ACTA1-related disorder. The variant has been previously reported as assumed (i.e. paternity and maternity not confirmed) de novo in at least one similarly affected unrelated individual (PMID: 19562689). Therefore, this variant is classified as Likely pathogenic according to the recommendation of ACMG/AMP guideline.

Literature cited by the submitters: PubMed 12921789; PubMed 24787270; PubMed 19562689; PubMed 24852243.

NM_001100.4(ACTA1):c.448A>T (p.Thr150Ser)

Gene: ACTA1 (actin alpha 1, skeletal muscle; minus strand). Cytogenetic location: 1q42.13.
Variant type: single nucleotide variant.
Coding change: c.448A>T on transcript NM_001100.4 (MANE Select); coding-DNA position 448, A replaced by T.
Protein change: p.Thr150Ser; replaces threonine 150 with serine.
Molecular consequence: missense variant.
Genome position (GRCh38, 1-based): chr1:229,432,562, T>A on the plus strand (A>T on the coding strand, the complement: ACTA1 is on the minus strand). VCF-style: chr1-229432562-T-A. GRCh37 (hg19) VCF-style: chr1-229568309-T-A.
Other names: short protein forms T150S.
Identifiers: ClinVar variation 1705499 (VCV001705499.1), dbSNP rs2527438829, ClinGen allele CA345149093.